The following is an entry in ClinVar:

ClinVar aggregate classification (germline): Uncertain significance (1 of 4 stars; one submission).

gnomAD v4.1: 7 of 1,599,276 alleles (0.00044%); highest among the groups gnomAD compares: Non-Finnish European, 0.0006%; no homozygotes.

Submission:

Ambry Genetics
Classification: Uncertain significance. Last evaluated: 2024-11-20. Review status: criteria provided, single submitter. Criteria: Ambry Variant Classification Scheme 2023. Collection method: clinical testing. Allele origin: germline.
Comment: The p.A1510V variant (also known as c.4529C>T), located in coding exon 19 of the WNK2 gene, results from a C to T substitution at nucleotide position 4529. The alanine at codon 1510 is replaced by valine, an amino acid with similar properties. This amino acid position is conserved. In addition, this alteration is predicted to be tolerated by in silico analysis. Based on the available evidence, the clinical significance of this variant remains unclear.

NM_006648.4(WNK2):c.4529C>T (p.Ala1510Val)

Gene: WNK2 (WNK lysine deficient protein kinase 2; plus strand). Cytogenetic location: 9q22.31.
Variant type: single nucleotide variant.
Coding change: c.4529C>T on transcript NM_006648.4 (MANE Select); coding-DNA position 4529, C replaced by T.
Protein change: p.Ala1510Val; replaces alanine 1510 with valine.
Molecular consequence: missense variant.
Genome position (GRCh38, 1-based): chr9:93,289,283, C>T. VCF-style: chr9-93289283-C-T. GRCh37 (hg19) VCF-style: chr9-96051565-C-T.
Other names: c.4640C>T, p.Ala1547Val (NM_001282394.3); short protein forms A1510V, A1547V.
Identifiers: ClinVar variation 3470219 (VCV003470219.1).
Genomic context (GRCh38, chr9:93,289,283, plus strand): 5'-AGCCCGCCTTGGGTCAACCTGCTCCCCTGCTTCCTGCCGCAGTGGGGGCCGTCAGCCTGG[C>T]CACCTCCCAGCTCCCAAGCCCACCCCTGGGGCCCACCGTCCCCCCACAGCCACCCTCGGC-3'
Protein context (NP_006639.3, residues 1500-1520): LPAAVGAVSL[Ala1510Val]TSQLPSPPLG